The following is an entry in ClinVar:

ClinVar aggregate classification (germline): Uncertain significance (1 of 4 stars; one submission).

Conditions:
Progressive familial heart block type IB (PFHB1B). Identifiers: Orphanet 871, MedGen C1970298, MONDO:0011474, OMIM 604559.

Allele frequency attached by ClinVar (database versions not stated): TOPMed below 0.00001.

Submission:

Labcorp Genetics (formerly Invitae), Labcorp
Classification: Uncertain significance for Progressive familial heart block type IB. Last evaluated: 2024-01-02. Review status: criteria provided, single submitter. Criteria: Invitae Variant Classification Sherloc (09022015). Collection method: clinical testing. Allele origin: germline.
Comment: This sequence change creates a premature translational stop signal (p.Val168Trpfs*110) in the TRPM4 gene. It is expected to result in an absent or disrupted protein product. However, the current clinical and genetic evidence is not sufficient to establish whether loss-of-function variants in TRPM4 cause disease. This variant is not present in population databases (gnomAD no frequency). This variant has not been reported in the literature in individuals affected with TRPM4-related conditions. Algorithms developed to predict the effect of sequence changes on RNA splicing suggest that this variant may disrupt the consensus splice site. In summary, the available evidence is currently insufficient to determine the role of this variant in disease. Therefore, it has been classified as a Variant of Uncertain Significance.

NM_017636.4(TRPM4):c.502del (p.Val168fs)

Gene: TRPM4 (transient receptor potential cation channel subfamily M member 4; plus strand). Cytogenetic location: 19q13.33.
Variant type: Deletion.
Coding change: c.502del on transcript NM_017636.4 (MANE Select); coding-DNA position 502, one base deleted (G; older notation c.502delG).
Protein change: p.Val168fs; shifts the reading frame from valine 168.
Molecular consequence: frameshift variant. On other transcripts: 5 prime UTR variant (2), intron variant (2).
Genome position (GRCh38, 1-based): chr19:49,168,313, G deleted. VCF-style (leftmost placement, unchanged base first): chr19-49168312-TG-T. GRCh37 (hg19) VCF-style: chr19-49671569-TG-T.
Other names: c.502del, p.Val168fs (NM_001195227.2); c.-1052del (NM_001321282.2); c.-21del (NM_001321283.2); c.268-240del (NM_001321281.2); c.-237-240del (NM_001321285.2); short protein forms V168fs.
Identifiers: ClinVar variation 2707014 (VCV002707014.3), dbSNP rs1967310677, ClinGen allele CA2340273558.
Genomic context (GRCh38, chr19:49,168,312, plus strand): 5'-CTGTGTAGGAGCCTGGATTGTCACTGGGGGTCTGCACACGGGCATCGGCCGGCATGTTGG[TG>T]TGGCTGTACGGGACCATCAGATGGCCAGCACTGGGGGCACCAAGGTGGTGGCCATGGGTG-3'